The following is an entry in ClinVar:

NM_001145418.2(TTC28):c.3165G>A (p.Arg1055=)

Gene: TTC28 (tetratricopeptide repeat domain 28; minus strand). Cytogenetic location: 22q12.1.
Variant type: single nucleotide variant.
Coding change: c.3165G>A on transcript NM_001145418.2 (MANE Select); coding-DNA position 3165, G replaced by A.
Protein change: p.Arg1055=; no amino-acid change (arginine 1055 retained).
Molecular consequence: synonymous variant.
Genome position (GRCh38, 1-based): chr22:28,105,421, C>T on the plus strand (G>A on the coding strand, the complement: TTC28 is on the minus strand). VCF-style: chr22-28105421-C-T. GRCh37 (hg19) VCF-style: chr22-28501409-C-T.
Other names: c.3165G>A, p.Arg1055= (NM_001393403.1); c.2811G>A, p.Arg937= (NM_001393404.1, NM_001393405.1).
Identifiers: ClinVar variation 2653037 (VCV002653037.24), dbSNP rs200122007, ClinGen allele CA10167372.

ClinVar aggregate classification (germline): Likely benign (1 of 4 stars; one submission).

Allele frequency attached by ClinVar (database versions not stated): 1000 Genomes Project 30x 0.00031; ExAC 0.00060; ESP Exome Variant Server 0.00066; TOPMed 0.00067; gnomAD 0.00075; 1000 Genomes Project 0.00020.
gnomAD v4.1: 1,477 of 1,551,698 alleles (0.095%); highest among the groups gnomAD compares: Non-Finnish European, 0.12%; 2 homozygotes.

Submission:

CeGaT Center for Human Genetics Tuebingen
Classification: Likely benign. Last evaluated: 2023-04-01. Review status: criteria provided, single submitter. Criteria: CeGaT Center For Human Genetics Tuebingen Variant Classification Criteria Version 2. Collection method: clinical testing. Allele origin: germline. Affected: yes. Observed: 1 variant allele.
Comment: TTC28: BP4